The following is an entry in ClinVar:

ClinVar aggregate classification (germline): Uncertain significance (1 of 4 stars; one submission).

Allele frequency attached by ClinVar (database versions not stated): TOPMed below 0.00001; gnomAD 0.00001; gnomAD exomes 0.00001; ExAC 0.00002.
gnomAD v4.1: 13 of 1,604,720 alleles (0.00081%); highest among the groups gnomAD compares: South Asian, 0.0011%; no homozygotes.

Submission:

Labcorp Genetics (formerly Invitae), Labcorp
Classification: Uncertain significance. Last evaluated: 2023-11-04. Review status: criteria provided, single submitter. Criteria: Invitae Variant Classification Sherloc (09022015). Collection method: clinical testing. Allele origin: germline.
Comment: This sequence change replaces leucine, which is neutral and non-polar, with proline, which is neutral and non-polar, at codon 29 of the MTMR14 protein (p.Leu29Pro). This variant is not present in population databases (gnomAD no frequency). This variant has not been reported in the literature in individuals affected with MTMR14-related conditions. Advanced modeling of protein sequence and biophysical properties (such as structural, functional, and spatial information, amino acid conservation, physicochemical variation, residue mobility, and thermodynamic stability) performed at Invitae indicates that this missense variant is not expected to disrupt MTMR14 protein function with a negative predictive value of 80%. In summary, the available evidence is currently insufficient to determine the role of this variant in disease. Therefore, it has been classified as a Variant of Uncertain Significance.

NM_001077525.3(MTMR14):c.86T>C (p.Leu29Pro)

Gene: MTMR14 (myotubularin related protein 14; plus strand). Cytogenetic location: 3p25.3.
Variant type: single nucleotide variant.
Coding change: c.86T>C on transcript NM_001077525.3 (MANE Select); coding-DNA position 86, T replaced by C.
Protein change: p.Leu29Pro; replaces leucine 29 with proline.
Molecular consequence: missense variant. On other transcripts: 5 prime UTR variant (23), non-coding transcript variant (9).
Genome position (GRCh38, 1-based): chr3:9,649,669, T>C. VCF-style: chr3-9649669-T-C. GRCh37 (hg19) VCF-style: chr3-9691353-T-C.
Other names: c.-493T>C (NM_001400544.1); c.-420T>C (NM_001400545.1, NM_001400533.1, NM_001400539.1); c.-481T>C (NM_001400546.1, NM_001400549.1, NM_001400534.1 and 2 more transcripts); c.-630T>C (NM_001400547.1); c.-554T>C (NM_001400548.1); c.-384T>C (NM_001400550.1); c.86T>C, p.Leu29Pro (NM_022485.5, NM_001400522.1, NM_001400523.1 and 9 more transcripts); c.-48T>C (NM_001400521.1, NM_001400525.1, NM_001400526.1 and 4 more transcripts); and 4 more; short protein forms L29P.
Identifiers: ClinVar variation 2719992 (VCV002719992.3), dbSNP rs765241955, ClinGen allele CA2240138.